The following is an entry in ClinVar:

NM_144997.7(FLCN):c.1046T>A (p.Leu349His)

Gene: FLCN (folliculin; minus strand). Cytogenetic location: 17p11.2.
Variant type: single nucleotide variant.
Coding change: c.1046T>A on transcript NM_144997.7 (MANE Select); coding-DNA position 1046, T replaced by A.
Protein change: p.Leu349His; replaces leucine 349 with histidine.
Molecular consequence: missense variant.
Genome position (GRCh38, 1-based): chr17:17,219,035, A>T on the plus strand (T>A on the coding strand, the complement: FLCN is on the minus strand). VCF-style: chr17-17219035-A-T. GRCh37 (hg19) VCF-style: chr17-17122349-A-T.
Other names: c.1100T>A, p.Leu367His (NM_001353229.2); c.1046T>A, p.Leu349His (NM_001353230.2, NM_001353231.2); short protein forms L367H, L349H.
Identifiers: ClinVar variation 2566332 (VCV002566332.2), dbSNP rs2544193262, ClinGen allele CA398532661.
Genomic context (GRCh38, chr17:17,219,035, plus strand): 5'-GCTCTCCTCCTGAGCTCCTGATGCGCTGTGCCCCTGCCGCCTACCTGCCTCATGTGCCGG[A>T]GGGACTTGAAGACTGGCAGCTTCCGGGGCTGCCAGCTCCCACAGCCTGAGAGAGAGGAGG-3'
Protein context (NP_659434.2, residues 339-359): QPRKLPVFKS[Leu349His]RHMRQVLGAP

ClinVar aggregate classification (germline): Uncertain significance (1 of 4 stars; one submission).

Conditions:
Hereditary cancer-predisposing syndrome. Also called: Neoplastic Syndromes, Hereditary; Hereditary Cancer Syndrome; Hereditary neoplastic syndrome; Tumor predisposition. Identifiers: Orphanet 140162, MedGen C0027672, MeSH D009386, MONDO:0015356.

Submission:

Ambry Genetics
Classification: Uncertain significance for Hereditary cancer-predisposing syndrome. Last evaluated: 2023-05-08. Review status: criteria provided, single submitter. Criteria: Ambry Variant Classification Scheme 2023. Collection method: clinical testing. Allele origin: germline.
Comment: The p.L349H variant (also known as c.1046T>A), located in coding exon 6 of the FLCN gene, results from a T to A substitution at nucleotide position 1046. The leucine at codon 349 is replaced by histidine, an amino acid with similar properties. This amino acid position is conserved. In addition, this alteration is predicted to be deleterious by in silico analysis. Since supporting evidence is limited at this time, the clinical significance of this alteration remains unclear.